The following is an entry in ClinVar:

NM_006231.4(POLE):c.1163G>A (p.Gly388Asp)

Gene: POLE (DNA polymerase epsilon, catalytic subunit; minus strand). Cytogenetic location: 12q24.33.
Variant type: single nucleotide variant.
Coding change: c.1163G>A on transcript NM_006231.4 (MANE Select); coding-DNA position 1163, G replaced by A.
Protein change: p.Gly388Asp; replaces glycine 388 with aspartic acid.
Molecular consequence: missense variant.
Genome position (GRCh38, 1-based): chr12:132,675,461, C>T on the plus strand (G>A on the coding strand, the complement: POLE is on the minus strand). VCF-style: chr12-132675461-C-T. GRCh37 (hg19) VCF-style: chr12-133252047-C-T.
Other names: short protein forms G388D.
Identifiers: ClinVar variation 3668484 (VCV003668484.2).

ClinVar aggregate classification (germline): Uncertain significance (1 of 4 stars; one submission).

Submission:

Labcorp Genetics (formerly Invitae), Labcorp
Classification: Uncertain significance. Last evaluated: 2024-01-29. Review status: criteria provided, single submitter. Criteria: Invitae Variant Classification Sherloc (09022015). Collection method: clinical testing. Allele origin: germline.
Comment: This sequence change replaces glycine, which is neutral and non-polar, with aspartic acid, which is acidic and polar, at codon 388 of the POLE protein (p.Gly388Asp). This variant is not present in population databases (gnomAD no frequency). This variant has not been reported in the literature in individuals affected with POLE-related conditions. Advanced modeling of protein sequence and biophysical properties (such as structural, functional, and spatial information, amino acid conservation, physicochemical variation, residue mobility, and thermodynamic stability) performed at Invitae indicates that this missense variant is expected to disrupt POLE protein function with a positive predictive value of 80%. In summary, the available evidence is currently insufficient to determine the role of this variant in disease. Therefore, it has been classified as a Variant of Uncertain Significance.